The following is an entry in ClinVar:

ClinVar aggregate classification (germline): Uncertain significance. Review status: criteria provided, multiple submitters, no conflicts (2 of 4 stars). 2 submissions from 2 submitters: Uncertain significance (2). Last evaluated 2025-05-12.

Conditions:
Hereditary cancer-predisposing syndrome. Also called: Neoplastic Syndromes, Hereditary; Tumor predisposition; Hereditary neoplastic syndrome; Hereditary Cancer Syndrome. Identifiers: Orphanet 140162, MedGen C0027672, MeSH D009386, MONDO:0015356.

Submissions (2):

GeneDx
Classification: Uncertain significance. Last evaluated: 2025-05-12. Review status: criteria provided, single submitter. Criteria: GeneDx Variant Classification Process June 2021. Collection method: clinical testing. Allele origin: germline. Affected: yes.
Comment: Not observed at significant frequency in large population cohorts (gnomAD); In silico analysis suggests that this missense variant does not alter protein structure/function; Has not been previously published as pathogenic or benign to our knowledge

Ambry Genetics
Classification: Uncertain significance for Hereditary cancer-predisposing syndrome. Last evaluated: 2023-10-17. Review status: criteria provided, single submitter. Criteria: Ambry Variant Classification Scheme 2023. Collection method: clinical testing. Allele origin: germline.
Comment: The p.S775F variant (also known as c.2324C>T), located in coding exon 14 of the ATM gene, results from a C to T substitution at nucleotide position 2324. The serine at codon 775 is replaced by phenylalanine, an amino acid with highly dissimilar properties. This amino acid position is well conserved in available vertebrate species. In addition, the in silico prediction for this alteration is inconclusive. Since supporting evidence is limited at this time, the clinical significance of this alteration remains unclear.

NM_000051.4(ATM):c.2324C>T (p.Ser775Phe)

Gene: ATM (ATM serine/threonine kinase; plus strand). Cytogenetic location: 11q22.3.
Variant type: single nucleotide variant.
Coding change: c.2324C>T on transcript NM_000051.4 (MANE Select); coding-DNA position 2324, C replaced by T.
Protein change: p.Ser775Phe; replaces serine 775 with phenylalanine.
Molecular consequence: missense variant.
Genome position (GRCh38, 1-based): chr11:108,257,554, C>T. VCF-style: chr11-108257554-C-T. GRCh37 (hg19) VCF-style: chr11-108128281-C-T.
Other names: c.2324C>T, p.Ser775Phe (NM_001351834.2); short protein forms S775F.
Identifiers: ClinVar variation 3232375 (VCV003232375.2), dbSNP rs2135407215, ClinGen allele CA382539997.
Genomic context (GRCh38, chr11:108,257,554, plus strand): 5'-GTGCAGGAGAAAGTATCACTCTGTTTAAAAATAAGACAAATGAGGAATTCAGAATTGGTT[C>T]CTTGAGAAATATGATGCAGCTATGTACACGTTGCTTGAGCAACTGTACCAAGGTAAGATT-3'
Protein context (NP_000042.3, residues 765-785): NKTNEEFRIG[Ser775Phe]LRNMMQLCTR